The following is an entry in ClinVar:

ClinVar aggregate classification (germline): Uncertain significance. Review status: criteria provided, multiple submitters, no conflicts (2 of 4 stars). 2 submissions from 2 submitters: Uncertain significance (2). Last evaluated 2022-08-08.

Conditions:
Inborn genetic diseases. Identifiers: MedGen C0950123, MeSH D030342.

Allele frequency attached by ClinVar (database versions not stated): gnomAD exomes 0.00002 and 0.00004; ExAC 0.00005; gnomAD 0.00006 and 0.00007; TOPMed 0.00006; 1000 Genomes Project 30x 0.00016; 1000 Genomes Project 0.00020.
gnomAD v4.1: 44 of 1,612,940 alleles (0.0027%); highest among the groups gnomAD compares: South Asian, 0.0099%; no homozygotes.

Submissions (2):

Ambry Genetics
Classification: Uncertain significance for Inborn genetic diseases. Last evaluated: 2022-08-08. Review status: criteria provided, single submitter. Criteria: Ambry Variant Classification Scheme 2023. Collection method: clinical testing. Allele origin: germline.

Labcorp Genetics (formerly Invitae), Labcorp
Classification: Uncertain significance. Last evaluated: 2021-10-14. Review status: criteria provided, single submitter. Criteria: Invitae Variant Classification Sherloc (09022015). Collection method: clinical testing. Allele origin: germline.
Comment: This sequence change replaces glutamic acid with lysine at codon 31 of the TCIRG1 protein (p.Glu31Lys). The glutamic acid residue is moderately conserved and there is a small physicochemical difference between glutamic acid and lysine. This variant is present in population databases (rs549532182, ExAC 0.01%). This variant has not been reported in the literature in individuals affected with TCIRG1-related conditions. Algorithms developed to predict the effect of missense changes on protein structure and function are either unavailable or do not agree on the potential impact of this missense change (SIFT: "Tolerated"; PolyPhen-2: "Probably Damaging"; Align-GVGD: "Class C0"). In summary, the available evidence is currently insufficient to determine the role of this variant in disease. Therefore, it has been classified as a Variant of Uncertain Significance.

NM_006019.4(TCIRG1):c.91G>A (p.Glu31Lys)

Gene: TCIRG1 (T cell immune regulator 1, ATPase H+ transporting V0 subunit a3; plus strand). Cytogenetic location: 11q13.2.
Variant type: single nucleotide variant.
Coding change: c.91G>A on transcript NM_006019.4 (MANE Select); coding-DNA position 91, G replaced by A.
Protein change: p.Glu31Lys; replaces glutamic acid 31 with lysine.
Molecular consequence: missense variant. On other transcripts: 5 prime UTR variant (1).
Genome position (GRCh38, 1-based): chr11:68,041,362, G>A. VCF-style: chr11-68041362-G-A. GRCh37 (hg19) VCF-style: chr11-67808829-G-A.
Other names: c.-1159G>A (NM_001351059.2); c.91G>A (NM_006019.3); short protein forms E31K.
Identifiers: ClinVar variation 1440215 (VCV001440215.6), dbSNP rs549532182, ClinGen allele CA6146634.